The following is an entry in ClinVar:

ClinVar aggregate classification (germline): Pathogenic (1 of 4 stars; one submission).

Conditions:
Neurofibromatosis, type 1 (NF1). Also called: NEUROFIBROMATOSIS, TYPE I, SOMATIC; Neurofibromatosis, type I; Peripheral type neurofibromatosis; VON RECKLINGHAUSEN DISEASE. Identifiers: Orphanet 636, MedGen C0027831, MONDO:0018975, OMIM 162200. Disease mechanism: loss of function.

Submission:

Labcorp Genetics (formerly Invitae), Labcorp
Classification: Pathogenic for Neurofibromatosis, type 1. Last evaluated: 2022-10-08. Review status: criteria provided, single submitter. Criteria: Invitae Variant Classification Sherloc (09022015). Collection method: clinical testing. Allele origin: germline.
Comment: This sequence change creates a premature translational stop signal (p.Arg440Serfs*4) in the NF1 gene. It is expected to result in an absent or disrupted protein product. Loss-of-function variants in NF1 are known to be pathogenic (PMID: 10712197, 23913538). For these reasons, this variant has been classified as Pathogenic. This variant has not been reported in the literature in individuals affected with NF1-related conditions. This variant is not present in population databases (gnomAD no frequency).

Literature cited by the submitters: PubMed 10712197; PubMed 23913538.

NM_001042492.3(NF1):c.1299_1314dup (p.Leu439_Arg440insSerLeuGlyTer)

Gene: NF1 (neurofibromin 1; plus strand). Cytogenetic location: 17q11.2.
Variant type: Duplication.
Coding change: c.1299_1314dup on transcript NM_001042492.3 (MANE Select); coding-DNA positions 1299 to 1314, 16 bases duplicated (TTGTCACTCGGTTGAA).
Protein change: p.Leu439_Arg440insSerLeuGlyTer.
Molecular consequence: nonsense, inframe insertion. On other transcripts: frameshift variant (1).
Genome position (GRCh38, 1-based): chr17:31,206,278-31,206,293, TTGTCACTCGGTTGAA duplicated; duplicating any 16 consecutive bases within chr17:31,206,277-31,206,293 gives the same sequence; the c. name uses the placement nearest the transcript's 3' end. VCF-style (leftmost placement, unchanged base first): chr17-31206276-T-TATTGTCACTCGGTTGA. GRCh37 (hg19) VCF-style: chr17-29533294-T-TATTGTCACTCGGTTGA.
Other names: c.1299_1314dup, p.Arg440Serfs (NM_000267.4); c.1299_1314dup, p.Leu439_Arg440insSerLeuGlyTer (NM_001128147.3).
Identifiers: ClinVar variation 2027704 (VCV002027704.4), dbSNP rs2544810993, ClinGen allele CA2580093025.